The following is an entry in ClinVar:

ClinVar aggregate classification (germline): Uncertain significance. Review status: criteria provided, multiple submitters, no conflicts (2 of 4 stars). 2 submissions from 2 submitters: Uncertain significance (2). Last evaluated 2025-09-23.

Allele frequency attached by ClinVar (database versions not stated): gnomAD exomes below 0.00001.
gnomAD v4.1: 5 of 1,551,040 alleles (0.00032%); highest among the groups gnomAD compares: Non-Finnish European, 0.00035%; no homozygotes.

Submissions (2):

Women's Health and Genetics/Laboratory Corporation of America, LabCorp
Classification: Uncertain significance. Last evaluated: 2025-09-23. Review status: criteria provided, single submitter. Criteria: LabCorp Variant Classification Summary - May 2015. Collection method: clinical testing. Allele origin: germline.
Comment: Variant summary: ABCG8 c.3G>T (p.Met1Ile) alters the initiation codon and is predicted to result either in absence of the protein or truncation of the encoded protein due to translation initiation at a downstream codon. The next downstream in-frame start codon is located at Met73. The frequency data for this variant in gnomAD is considered unreliable, as metrics indicate poor data quality at this position. To our knowledge, no occurrence of c.3G>T in individuals affected with ABCG8-related conditions and no experimental evidence demonstrating its impact on protein function have been reported. ClinVar contains an entry for this variant (Variation ID: 2445897). Based on the evidence outlined above, the variant was classified as uncertain significance.

Labcorp Genetics (formerly Invitae), Labcorp
Classification: Uncertain significance. Last evaluated: 2024-12-23. Review status: criteria provided, single submitter. Criteria: Invitae Variant Classification Sherloc (09022015). Collection method: clinical testing. Allele origin: germline.
Comment: This sequence change affects the initiator methionine of the ABCG8 mRNA. The next in-frame methionine is located at codon 73. This variant is not present in population databases (gnomAD no frequency). This variant has not been reported in the literature in individuals affected with ABCG8-related conditions. ClinVar contains an entry for this variant (Variation ID: 2445897). Experimental studies and prediction algorithms are not available or were not evaluated, and the functional significance of this variant is currently unknown. In summary, the available evidence is currently insufficient to determine the role of this variant in disease. Therefore, it has been classified as a Variant of Uncertain Significance.

NM_022437.3(ABCG8):c.3G>T (p.Met1Ile)

Genes: ABCG5 (ATP binding cassette subfamily G member 5; minus strand), ABCG8 (ATP binding cassette subfamily G member 8; plus strand). Cytogenetic location: 2p21.
Variant type: single nucleotide variant.
Coding change: c.3G>T on transcript NM_022437.3 (MANE Select); coding-DNA position 3, G replaced by T.
Protein change: p.Met1Ile; changes the start codon (methionine 1).
Molecular consequence: missense variant, initiator codon variant.
Genome position (GRCh38, 1-based): chr2:43,839,056, G>T. VCF-style: chr2-43839056-G-T. GRCh37 (hg19) VCF-style: chr2-44066195-G-T.
Other names: c.3G>T, p.Met1Ile (NM_001357321.2); c.3G>T (NM_022437.2); short protein forms M1I.
Identifiers: ClinVar variation 2445897 (VCV002445897.4), dbSNP rs1365569134, ClinGen allele CA346662349.